The following is an entry in ClinVar:

NM_130839.5(UBE3A):c.1675G>C (p.Glu559Gln)

Genes: SNHG14 (small nucleolar RNA host gene 14; plus strand), UBE3A (ubiquitin protein ligase E3A; minus strand). Cytogenetic location: 15q11.2.
Variant type: single nucleotide variant.
Coding change: c.1675G>C on transcript NM_130839.5 (MANE Select); coding-DNA position 1675, G replaced by C.
Protein change: p.Glu559Gln; replaces glutamic acid 559 with glutamine.
Molecular consequence: missense variant. On other transcripts: non-coding transcript variant (1).
Genome position (GRCh38, 1-based): chr15:25,360,461, C>G on the plus strand (G>C on the coding strand, the complement: UBE3A is on the minus strand). VCF-style: chr15-25360461-C-G. GRCh37 (hg19) VCF-style: chr15-25605608-C-G.
Other names: p.Glu559Gln; c.1684G>C, p.Glu562Gln (NM_000462.5); c.1675G>C, p.Glu559Gln (NM_001354505.1, NM_001354538.2, NM_001354545.2); c.1615G>C, p.Glu539Gln (NM_001354506.2, NM_001354507.2, NM_001354508.2 and 17 more transcripts); c.1498G>C, p.Glu500Gln (NM_001354546.2); c.424G>C, p.Glu142Gln (NM_001354550.2); c.364G>C, p.Glu122Gln (NM_001354551.2); short protein forms E122Q, E142Q, E500Q, E539Q, E559Q, E562Q.
Identifiers: ClinVar variation 1338541 (VCV001338541.6), dbSNP rs2152730149, ClinGen allele CA391353031.

ClinVar aggregate classification (germline): Uncertain significance. Review status: criteria provided, multiple submitters, no conflicts (2 of 4 stars). 2 submissions from 2 submitters: Uncertain significance (2). Last evaluated 2019-08-19.

Conditions:
Angelman syndrome (AS). Also called: HAPPY PUPPET SYNDROME. Identifiers: Orphanet 72, MedGen C0162635, MONDO:0007113, OMIM 105830. Disease mechanism: loss of function. Inheritance: AS is caused by disruption of maternally imprinted UBE3A located within the 15q11.2-q13 Angelman syndrome/Prader-Willi syndrome (AS/PWS) region., imprinting disorder.

Submissions (2):

Genetic Services Laboratory, University of Chicago
Classification: Uncertain significance. Last evaluated: 2019-08-19. Review status: criteria provided, single submitter. Criteria: ACMG Guidelines, 2015. Collection method: clinical testing. Allele origin: germline. Affected: no.

Foundation for Research in Genetics and Endocrinology, FRIGE's Institute of Human Genetics
Classification: Uncertain significance for Angelman syndrome. Review status: criteria provided, single submitter. Criteria: ACMG Guidelines, 2015. Collection method: clinical testing. Allele origin: germline. Inheritance: Autosomal dominant inheritance. Affected: yes. Observed: 1 heterozygote.
Comment: A heterozygous missense variant in Exon 7 of the UBE3A gene that results in the amino acid substitution of Glutamine for Glutamic acid at codon 559 was detected. The variant has not been reported in the 1000 genomes, gnomAD , gnomdAD, topmed and our internal databases. The in silico prediction of the variant is damaging by MutationTaster2. The reference codon is conserved across species. In summary, the variant meets our criteria to be classified as a variant of uncertain significance.